The following is an entry in ClinVar:

NM_001844.5(COL2A1):c.1104_1105del (p.Gly369fs)

Gene: COL2A1 (collagen type II alpha 1 chain; minus strand). Cytogenetic location: 12q13.11.
Variant type: Deletion.
Coding change: c.1104_1105del on transcript NM_001844.5 (MANE Select); coding-DNA positions 1104 to 1105, 2 bases deleted (TG; older notation c.1104_1105delTG).
Protein change: p.Gly369fs; shifts the reading frame from glycine 369.
Molecular consequence: frameshift variant.
Genome position (GRCh38, 1-based): chr12:47,989,245-47,989,246, CA deleted on the plus strand (TG on the coding strand, the reverse complement: COL2A1 is on the minus strand). VCF-style (leftmost placement, unchanged base first): chr12-47989244-CCA-C. GRCh37 (hg19) VCF-style: chr12-48383027-CCA-C.
Other names: c.897_898del, p.Gly300fs (NM_033150.3); short protein forms G369fs, G300fs.
Identifiers: ClinVar variation 1424578 (VCV001424578.6), dbSNP rs2136587563, ClinGen allele CA2573148708.

ClinVar aggregate classification (germline): Pathogenic (1 of 4 stars; one submission).

Submission:

Labcorp Genetics (formerly Invitae), Labcorp
Classification: Pathogenic. Last evaluated: 2025-04-16. Review status: criteria provided, single submitter. Criteria: Invitae Variant Classification Sherloc (09022015). Collection method: clinical testing. Allele origin: germline.
Comment: This sequence change creates a premature translational stop signal (p.Gly369Cysfs*7) in the COL2A1 gene. It is expected to result in an absent or disrupted protein product. Loss-of-function variants in COL2A1 are known to be pathogenic (PMID: 20179744). This variant is not present in population databases (gnomAD no frequency). This variant has not been reported in the literature in individuals affected with COL2A1-related conditions. ClinVar contains an entry for this variant (Variation ID: 1424578). For these reasons, this variant has been classified as Pathogenic.

Literature cited by the submitters: PubMed 20179744.